The following is an entry in ClinVar:

NC_000021.8:g.(?_38850463)_(38850622_?)del

Gene: DYRK1A (dual specificity tyrosine phosphorylation regulated kinase 1A; plus strand). Cytogenetic location: 21q22.13.
Variant type: Deletion.
Identifiers: ClinVar variation 3248158 (VCV003248158.1).

ClinVar aggregate classification (germline): Pathogenic (1 of 4 stars; one submission).

Conditions:
DYRK1A-related intellectual disability syndrome (MRD7). Also called: DYRK1A Syndrome; Intellectual developmental disorder, autosomal dominant 7. Identifiers: Orphanet 464306, MedGen C5568143, MONDO:0013578, OMIM 614104.

Submission:

Labcorp Genetics (formerly Invitae), Labcorp
Classification: Pathogenic for DYRK1A-related intellectual disability syndrome. Last evaluated: 2024-01-23. Review status: criteria provided, single submitter. Criteria: Invitae Variant Classification Sherloc (09022015). Collection method: clinical testing. Allele origin: unknown.
Comment: This variant is a gross deletion of the genomic region encompassing exon(s) 3 of the DYRK1A gene. This variant would be expected to be in-frame, preserving the integrity of the reading frame. A similar copy number variant has been observed in individual(s) with clinical features of DYRK1A-related conditions (Invitae). In at least one individual the variant was observed to be de novo. Experimental studies and prediction algorithms are not available or were not evaluated, and the functional significance of this variant is currently unknown. For these reasons, this variant has been classified as Pathogenic.